The following is an entry in ClinVar:

NM_000535.7(PMS2):c.1757C>G (p.Ser586Cys)

Gene: PMS2 (PMS1 homolog 2, mismatch repair system component; minus strand). Cytogenetic location: 7p22.1.
Variant type: single nucleotide variant.
Coding change: c.1757C>G on transcript NM_000535.7 (MANE Select); coding-DNA position 1757, C replaced by G.
Protein change: p.Ser586Cys; replaces serine 586 with cysteine.
Molecular consequence: missense variant. On other transcripts: non-coding transcript variant (1).
Genome position (GRCh38, 1-based): chr7:5,987,008, G>C on the plus strand (C>G on the coding strand, the complement: PMS2 is on the minus strand). VCF-style: chr7-5987008-G-C. GRCh37 (hg19) VCF-style: chr7-6026639-G-C.
Other names: c.1352C>G, p.Ser451Cys (NM_001322003.2, NM_001322004.2, NM_001322005.2 and 1 more transcripts); c.1601C>G, p.Ser534Cys (NM_001322006.2); c.1439C>G, p.Ser480Cys (NM_001322007.2, NM_001322008.2); c.1196C>G, p.Ser399Cys (NM_001322010.2); c.824C>G, p.Ser275Cys (NM_001322011.2, NM_001322012.2); c.1184C>G, p.Ser395Cys (NM_001322013.2); c.1757C>G, p.Ser586Cys (NM_001322014.2); c.1448C>G, p.Ser483Cys (NM_001322015.2); short protein forms S480C, S483C, S586C, S275C, S451C, S534C, S395C, S399C.
Identifiers: ClinVar variation 954268 (VCV000954268.11), dbSNP rs1335723102, ClinGen allele CA366740008.

ClinVar aggregate classification (germline): Uncertain significance. Review status: criteria provided, multiple submitters, no conflicts (2 of 4 stars). 2 submissions from 2 submitters: Uncertain significance (2). Last evaluated 2024-06-10.

Conditions:
Hereditary cancer-predisposing syndrome. Also called: Hereditary neoplastic syndrome; Tumor predisposition; Neoplastic Syndromes, Hereditary; Hereditary Cancer Syndrome. Identifiers: Orphanet 140162, MedGen C0027672, MeSH D009386, MONDO:0015356.
Hereditary nonpolyposis colorectal neoplasms. Identifiers: MedGen C0009405, MeSH D003123.

Allele frequency attached by ClinVar (database versions not stated): gnomAD exomes below 0.00001; TOPMed below 0.00001.
gnomAD v4.1: 1 of 1,614,190 alleles (0.000062%); highest among the groups gnomAD compares: Non-Finnish European, 0.000085%; no homozygotes.

Submissions (2):

Labcorp Genetics (formerly Invitae), Labcorp
Classification: Uncertain significance for Hereditary nonpolyposis colorectal neoplasms. Last evaluated: 2024-06-10. Review status: criteria provided, single submitter. Criteria: Invitae Variant Classification Sherloc (09022015). Collection method: clinical testing. Allele origin: germline.
Comment: This sequence change replaces serine, which is neutral and polar, with cysteine, which is neutral and slightly polar, at codon 586 of the PMS2 protein (p.Ser586Cys). This variant is not present in population databases (gnomAD no frequency). This variant has not been reported in the literature in individuals affected with PMS2-related conditions. ClinVar contains an entry for this variant (Variation ID: 954268). Advanced modeling of protein sequence and biophysical properties (such as structural, functional, and spatial information, amino acid conservation, physicochemical variation, residue mobility, and thermodynamic stability) performed at Invitae indicates that this missense variant is expected to disrupt PMS2 protein function with a positive predictive value of 80%. In summary, the available evidence is currently insufficient to determine the role of this variant in disease. Therefore, it has been classified as a Variant of Uncertain Significance.

Ambry Genetics
Classification: Uncertain significance for Hereditary cancer-predisposing syndrome. Last evaluated: 2023-06-29. Review status: criteria provided, single submitter. Criteria: Ambry Variant Classification Scheme 2023. Collection method: clinical testing. Allele origin: germline.
Comment: The p.S586C variant (also known as c.1757C>G), located in coding exon 11 of the PMS2 gene, results from a C to G substitution at nucleotide position 1757. The serine at codon 586 is replaced by cysteine, an amino acid with dissimilar properties. This amino acid position is not well conserved in available vertebrate species. In addition, this alteration is predicted to be tolerated by in silico analysis. Since supporting evidence is limited at this time, the clinical significance of this alteration remains unclear.